The following is an entry in ClinVar:

NM_201384.3(PLEC):c.3298G>C (p.Gly1100Arg)

Gene: PLEC (plectin; minus strand). Cytogenetic location: 8q24.3.
Variant type: single nucleotide variant.
Coding change: c.3298G>C on transcript NM_201384.3 (MANE Select); coding-DNA position 3298, G replaced by C.
Protein change: p.Gly1100Arg; replaces glycine 1100 with arginine.
Molecular consequence: missense variant.
Genome position (GRCh38, 1-based): chr8:143,927,955, C>G on the plus strand (G>C on the coding strand, the complement: PLEC is on the minus strand). VCF-style: chr8-143927955-C-G. GRCh37 (hg19) VCF-style: chr8-145002123-C-G.
Other names: c.3379G>C, p.Gly1127Arg (NM_000445.5); c.3256G>C, p.Gly1086Arg (NM_201378.4); c.3232G>C, p.Gly1078Arg (NM_201379.3); c.3709G>C, p.Gly1237Arg (NM_201380.4); c.3202G>C, p.Gly1068Arg (NM_201381.3); c.3298G>C, p.Gly1100Arg (NM_201382.4); c.3310G>C, p.Gly1104Arg (NM_201383.3); short protein forms G1068R, G1078R, G1086R, G1100R, G1104R, G1127R, G1237R.
Identifiers: ClinVar variation 449285 (VCV000449285.23), dbSNP rs201404741, ClinGen allele CA4927127.
Genomic context (GRCh38, chr8:143,927,955, plus strand): 5'-CCGGCACGGCCTGGGCCTCCTTGAGCTGCTCCTCGTGGGCCCTGAGCACCTCCTCGGCCC[C>G]CTGCGTGCCGCGGATCACCAGGCTGATGGTCTTGAGCCTGGCGGGAAAGCGGGGCTCAGG-3'
Protein context (NP_958786.1, residues 1090-1110): TISLVIRGTQ[Gly1100Arg]AEEVLRAHEE

ClinVar aggregate classification (germline): Uncertain significance. Review status: criteria provided, multiple submitters, no conflicts (2 of 4 stars). 5 submissions from 5 submitters: Uncertain significance (5). Last evaluated 2025-11-20.

Conditions:
Epidermolysis bullosa simplex 5B, with muscular dystrophy (EBS5B). Also called: EPIDERMOLYSIS BULLOSA SIMPLEX AND LIMB-GIRDLE MUSCULAR DYSTROPHY; Epidermolysis bullosa simplex with muscular dystrophy. Identifiers: Orphanet 257, MedGen C2931072, MONDO:0009181, OMIM 226670.
Epidermolysis bullosa simplex, Ogna type (EBS5A). Also called: EPIDERMOLYSIS BULLOSA SIMPLEX 5A, OGNA TYPE; Pidermolysis bullosa simplex 5A, Ogna type. Identifiers: Orphanet 79401, MedGen C0432317, MONDO:0007555, OMIM 131950.
Epidermolysis bullosa simplex 5C, with pyloric atresia (EBS5C). Also called: PLEC1-Related Epidermolysis Bullosa with Pyloric Atresia; PLEC-Related Epidermolysis Bullosa with Pyloric Atresia; Epidermolysis bullosa simplex with pyloric atresia. Identifiers: Orphanet 158684, MedGen C2677349, MONDO:0012807, OMIM 612138.
Epidermolysis bullosa simplex with nail dystrophy (EBS5D). Identifiers: MedGen C4225309, MONDO:0014661, OMIM 616487.
Autosomal recessive limb-girdle muscular dystrophy type 2Q (LGMDR17). Also called: MUSCULAR DYSTROPHY, LIMB-GIRDLE, AUTOSOMAL RECESSIVE 17. Identifiers: Orphanet 254361, MedGen C3150989, MONDO:0013390, OMIM 613723.
Inborn genetic diseases. Identifiers: MedGen C0950123, MeSH D030342.

Allele frequency attached by ClinVar (database versions not stated): TOPMed 0.00026; ESP Exome Variant Server 0.00050.
gnomAD v4.1: 82 of 1,601,686 alleles (0.0051%); highest among the groups gnomAD compares: African/African-American, 0.068%; no homozygotes.

Submissions (5):

Ambry Genetics
Classification: Uncertain significance for Inborn genetic diseases. Last evaluated: 2025-11-20. Review status: criteria provided, single submitter. Criteria: Ambry Variant Classification Scheme 2023. Collection method: clinical testing. Allele origin: germline.

Labcorp Genetics (formerly Invitae), Labcorp
Classification: Uncertain significance for Autosomal recessive limb-girdle muscular dystrophy type 2Q; Epidermolysis bullosa simplex, Ogna type; Epidermolysis bullosa simplex with nail dystrophy; Epidermolysis bullosa simplex 5C, with pyloric atresia; Epidermolysis bullosa simplex 5B, with muscular dystrophy. Last evaluated: 2025-10-01. Review status: criteria provided, single submitter. Criteria: Invitae Variant Classification Sherloc (09022015). Collection method: clinical testing. Allele origin: germline.
Comment: This sequence change replaces glycine, which is neutral and non-polar, with arginine, which is basic and polar, at codon 1127 of the PLEC protein (p.Gly1127Arg). This variant is present in population databases (rs201404741, gnomAD 0.08%). This variant has not been reported in the literature in individuals affected with PLEC-related conditions. ClinVar contains an entry for this variant (Variation ID: 449285). Invitae Evidence Modeling of protein sequence and biophysical properties (such as structural, functional, and spatial information, amino acid conservation, physicochemical variation, residue mobility, and thermodynamic stability) indicates that this missense variant is not expected to disrupt PLEC protein function with a negative predictive value of 80%. In summary, the available evidence is currently insufficient to determine the role of this variant in disease. Therefore, it has been classified as a Variant of Uncertain Significance.

GeneDx
Classification: Uncertain significance. Last evaluated: 2025-03-22. Review status: criteria provided, single submitter. Criteria: GeneDx Variant Classification Process June 2021. Collection method: clinical testing. Allele origin: germline. Affected: yes.
Comment: In silico analysis supports that this missense variant has a deleterious effect on protein structure/function; Missense variant in a gene in which most reported pathogenic variants are truncating/loss of function; Has not been previously published as pathogenic or benign to our knowledge

Revvity Omics, Revvity
Classification: Uncertain significance. Last evaluated: 2022-06-13. Review status: criteria provided, single submitter. Criteria: ACMG Guidelines, 2015. Collection method: clinical testing. Allele origin: germline.

Eurofins Ntd Llc (ga)
Classification: Uncertain significance. Last evaluated: 2017-01-09. Review status: criteria provided, single submitter. Criteria: EGL Classification Definitions 2015. Collection method: clinical testing. Allele origin: germline. Observed: 1 variant allele, 1 heterozygote.